The following is an entry in ClinVar:

ClinVar aggregate classification (germline): Uncertain significance (1 of 4 stars; one submission).

Conditions:
Lethal congenital glycogen storage disease of heart. Also called: PHOSPHORYLASE KINASE DEFICIENCY OF HEART; GLYCOGEN STORAGE DISEASE OF HEART. Identifiers: Orphanet 439854, MedGen C1849813, MONDO:0009867, OMIM 261740.

Allele frequency attached by ClinVar (database versions not stated): gnomAD exomes below 0.00001.
gnomAD v4.1: 2 of 1,599,324 alleles (0.00013%); highest among the groups gnomAD compares: African/African-American, 0.0013%; no homozygotes.

Submission:

Labcorp Genetics (formerly Invitae), Labcorp
Classification: Uncertain significance for Lethal congenital glycogen storage disease of heart. Last evaluated: 2025-12-09. Review status: criteria provided, single submitter. Criteria: Invitae Variant Classification Sherloc (09022015). Collection method: clinical testing. Allele origin: germline.
Comment: This sequence change falls in intron 10 of the PRKAG2 gene. It does not directly change the encoded amino acid sequence of the PRKAG2 protein. It affects a nucleotide within the consensus splice site. This variant is not present in population databases (gnomAD no frequency). This variant has not been reported in the literature in individuals affected with PRKAG2-related conditions. ClinVar contains an entry for this variant (Variation ID: 1376373). Variants that disrupt the consensus splice site are a relatively common cause of aberrant splicing (PMID: 17576681, 9536098). Algorithms developed to predict the effect of sequence changes on RNA splicing suggest that this variant is not likely to affect RNA splicing. In summary, the available evidence is currently insufficient to determine the role of this variant in disease. Therefore, it has been classified as a Variant of Uncertain Significance.

Literature cited by the submitters: PubMed 17576681; PubMed 9536098.

NM_016203.4(PRKAG2):c.1106+4A>C

Gene: PRKAG2 (protein kinase AMP-activated non-catalytic subunit gamma 2; minus strand). Cytogenetic location: 7q36.1.
Variant type: single nucleotide variant.
Coding change: c.1106+4A>C on transcript NM_016203.4 (MANE Select); 4 bases into the intron after coding-DNA position 1106, A replaced by C.
Molecular consequence: intron variant.
Genome position (GRCh38, 1-based): chr7:151,570,167, T>G on the plus strand (A>C on the coding strand, the complement: PRKAG2 is on the minus strand). VCF-style: chr7-151570167-T-G. GRCh37 (hg19) VCF-style: chr7-151267253-T-G.
Other names: c.974+4A>C (NM_001040633.2); c.731+4A>C (NM_001304527.2); c.734+4A>C (NM_001363698.2); c.383+4A>C (NM_001304531.2, NM_024429.2).
Identifiers: ClinVar variation 1376373 (VCV001376373.6), dbSNP rs912304170, ClinGen allele CA169166661.